The following is an entry in ClinVar:

ClinVar aggregate classification (germline): Likely benign (0 of 4 stars; one submission).

Conditions:
SLC26A5-related disorder. Also called: SLC26A5-related condition.

Allele frequency attached by ClinVar (database versions not stated): gnomAD exomes below 0.00001; gnomAD 0.00001.

Submission:

PreventionGenetics, part of Exact Sciences
Classification: Likely benign for SLC26A5-related condition. Last evaluated: 2022-08-03. Review status: no assertion criteria provided. Collection method: clinical testing. Allele origin: germline.
Comment: This variant is classified as likely benign based on ACMG/AMP sequence variant interpretation guidelines (Richards et al. 2015 PMID: 25741868, with internal and published modifications).

NM_198999.3(SLC26A5):c.1214G>A (p.Gly405Glu)

Gene: SLC26A5 (solute carrier family 26 member 5; minus strand). Cytogenetic location: 7q22.1.
Variant type: single nucleotide variant.
Coding change: c.1214G>A on transcript NM_198999.3 (MANE Select); coding-DNA position 1214, G replaced by A.
Protein change: p.Gly405Glu; replaces glycine 405 with glutamic acid.
Molecular consequence: missense variant. On other transcripts: non-coding transcript variant (5), intron variant (1).
Genome position (GRCh38, 1-based): chr7:103,391,641, C>T on the plus strand (G>A on the coding strand, the complement: SLC26A5 is on the minus strand). VCF-style: chr7-103391641-C-T. GRCh37 (hg19) VCF-style: chr7-103032088-C-T.
Other names: c.1214G>A, p.Gly405Glu (NM_001167962.2, NM_001321787.2, NM_206883.3 and 1 more transcripts); c.971+6291G>A (NM_206885.3); short protein forms G405E.
Identifiers: ClinVar variation 3045758 (VCV003045758.2), dbSNP rs1179413005, ClinGen allele CA368759266.